The following is an entry in ClinVar:

ClinVar aggregate classification (germline): Uncertain significance. Review status: criteria provided, multiple submitters, no conflicts (2 of 4 stars). 2 submissions from 2 submitters: Uncertain significance (2). Last evaluated 2023-09-17.

Conditions:
Hereditary cancer-predisposing syndrome. Also called: Neoplastic Syndromes, Hereditary; Hereditary Cancer Syndrome; Tumor predisposition; Hereditary neoplastic syndrome. Identifiers: Orphanet 140162, MedGen C0027672, MeSH D009386, MONDO:0015356.

Allele frequency attached by ClinVar (database versions not stated): gnomAD exomes 0.00001.
gnomAD v4.1: 7 of 1,614,072 alleles (0.00043%); highest among the groups gnomAD compares: Non-Finnish European, 0.00059%; no homozygotes.

Submissions (2):

Ambry Genetics
Classification: Uncertain significance for Hereditary cancer-predisposing syndrome. Last evaluated: 2023-09-17. Review status: criteria provided, single submitter. Criteria: Ambry Variant Classification Scheme 2023. Collection method: clinical testing. Allele origin: germline.
Comment: The p.E1298D variant (also known as c.3894G>T), located in coding exon 25 of the RAD50 gene, results from a G to T substitution at nucleotide position 3894. The glutamic acid at codon 1298 is replaced by aspartic acid, an amino acid with highly similar properties. This amino acid position is conserved. In addition, the in silico prediction for this alteration is inconclusive. Since supporting evidence is limited at this time, the clinical significance of this alteration remains unclear.

Labcorp Genetics (formerly Invitae), Labcorp
Classification: Uncertain significance for Hereditary cancer-predisposing syndrome. Last evaluated: 2021-09-20. Review status: criteria provided, single submitter. Criteria: Invitae Variant Classification Sherloc (09022015). Collection method: clinical testing. Allele origin: germline.
Comment: This sequence change replaces glutamic acid with aspartic acid at codon 1298 of the RAD50 protein (p.Glu1298Asp). The glutamic acid residue is moderately conserved and there is a small physicochemical difference between glutamic acid and aspartic acid. This variant is not present in population databases (ExAC no frequency). This variant has not been reported in the literature in individuals affected with RAD50-related conditions. Algorithms developed to predict the effect of missense changes on protein structure and function (SIFT, PolyPhen-2, Align-GVGD) all suggest that this variant is likely to be tolerated. In summary, the available evidence is currently insufficient to determine the role of this variant in disease. Therefore, it has been classified as a Variant of Uncertain Significance.

NM_005732.4(RAD50):c.3894G>T (p.Glu1298Asp)

Genes: TH2LCRR (T helper type 2 locus control region associated RNA; minus strand), RAD50 (RAD50 double strand break repair protein; plus strand). Cytogenetic location: 5q31.1.
Variant type: single nucleotide variant.
Coding change: c.3894G>T on transcript NM_005732.4 (MANE Select); coding-DNA position 3894, G replaced by T.
Protein change: p.Glu1298Asp; replaces glutamic acid 1298 with aspartic acid.
Molecular consequence: missense variant.
Genome position (GRCh38, 1-based): chr5:132,642,319, G>T. VCF-style: chr5-132642319-G-T. GRCh37 (hg19) VCF-style: chr5-131978011-G-T.
Other names: short protein forms E1298D.
Identifiers: ClinVar variation 1036957 (VCV001036957.9), dbSNP rs1751745380, ClinGen allele CA360937290.